The following is an entry in ClinVar:

NM_000195.5(HPS1):c.610_617dup (p.Leu207fs)

Gene: HPS1 (HPS1 biogenesis of lysosomal organelles complex 3 subunit 1; minus strand). Cytogenetic location: 10q24.2.
Variant type: Duplication.
Coding change: c.610_617dup on transcript NM_000195.5 (MANE Select); coding-DNA positions 610 to 617, 8 bases duplicated (GAGGAGGC; older notation c.610_617dupGAGGAGGC).
Protein change: p.Leu207fs; shifts the reading frame from leucine 207.
Molecular consequence: frameshift variant. On other transcripts: intron variant (5), 5 prime UTR variant (3).
Genome position (GRCh38, 1-based): chr10:98,431,182-98,431,189, GCCTCCTC duplicated on the plus strand (GAGGAGGC on the coding strand, the reverse complement: HPS1 is on the minus strand); duplicating any 8 consecutive bases within chr10:98,431,182-98,431,195 gives the same sequence; the c. name uses the placement nearest the transcript's 3' end. VCF-style (leftmost placement, unchanged base first): chr10-98431181-G-GGCCTCCTC. GRCh37 (hg19) VCF-style: chr10-100190938-G-GGCCTCCTC.
Other names: c.551-519_551-512dup (NM_001322492.2, NM_001322490.2); c.241_248dup, p.Leu84fs (NM_001322484.2, NM_001322485.2, NM_001322483.2); c.-363_-356dup (NM_001322487.2); c.-264_-257dup (NM_001322489.2, NM_001311345.2); c.610_617dup, p.Leu207fs (NM_001322491.2, NM_182639.4, NM_001322476.2 and 3 more transcripts); c.408-519_408-512dup (NM_001322480.2, NM_001322482.2, NM_001322481.2); short protein forms L84fs, L207fs.
Identifiers: ClinVar variation 2746618 (VCV002746618.3), dbSNP rs2538931559, ClinGen allele CA2697558708.

ClinVar aggregate classification (germline): Pathogenic (1 of 4 stars; one submission).

Submission:

Labcorp Genetics (formerly Invitae), Labcorp
Classification: Pathogenic. Last evaluated: 2023-07-25. Review status: criteria provided, single submitter. Criteria: Invitae Variant Classification Sherloc (09022015). Collection method: clinical testing. Allele origin: germline.
Comment: This variant has not been reported in the literature in individuals affected with HPS1-related conditions. For these reasons, this variant has been classified as Pathogenic. This variant is not present in population databases (gnomAD no frequency). This sequence change creates a premature translational stop signal (p.Leu207Argfs*127) in the HPS1 gene. It is expected to result in an absent or disrupted protein product. Loss-of-function variants in HPS1 are known to be pathogenic (PMID: 12442288, 16185271).

Literature cited by the submitters: PubMed 12442288; PubMed 16185271.